The following is an entry in ClinVar:

ClinVar aggregate classification (germline): Pathogenic (1 of 4 stars; one submission).

Conditions:
GNPTAB-mucolipidosis. Also called: UDP-N-acetylglucosamine-1-phosphotransferase subunit alpha/beta deficiency. Identifiers: MedGen CN322573, MONDO:0100122.

Submission:

Myriad Genetics, Inc.
Classification: Pathogenic for GNPTAB-mucolipidosis. Last evaluated: 2026-04-29. Review status: criteria provided, single submitter. Criteria: Myriad Autosomal Dominant, Autosomal Recessive and X-Linked Classification Criteria (2023). Collection method: clinical testing. Allele origin: unknown.
Comment: NM_024312.4(GNPTAB):c.1779delC(N593Kfs*9) is expected to be pathogenic in the context of GNPTAB-related disorders. This variant is predicted to lead to an abnormal or absent protein product due to the creation of a premature termination codon in GNPTAB, a gene where loss-of-function variants are known to be pathogenic. Please note: this variant was assessed in the context of healthy population screening.

NM_024312.5(GNPTAB):c.1779del (p.Asn593fs)

Gene: GNPTAB (N-acetylglucosamine-1-phosphate transferase subunits alpha and beta; minus strand). Cytogenetic location: 12q23.2.
Variant type: Deletion.
Coding change: c.1779del on transcript NM_024312.5 (MANE Select); coding-DNA position 1779, one base deleted (C; older notation c.1779delC).
Protein change: p.Asn593fs; shifts the reading frame from asparagine 593.
Molecular consequence: frameshift variant.
Genome position (GRCh38, 1-based): chr12:101,765,138, G deleted on the plus strand (C on the coding strand, the reverse complement: GNPTAB is on the minus strand). VCF-style (leftmost placement, unchanged base first): chr12-101765137-TG-T. GRCh37 (hg19) VCF-style: chr12-102158915-TG-T.
Other names: short protein forms N593fs.
Identifiers: ClinVar variation 5015422 (VCV005015422.1).